The following is an entry in ClinVar:

ClinVar aggregate classification (germline): Uncertain significance (1 of 4 stars; one submission).

Conditions:
Bardet-Biedl syndrome (BBS). Identifiers: Orphanet 110, MedGen C0752166, MONDO:0015229.

Submission:

Labcorp Genetics (formerly Invitae), Labcorp
Classification: Uncertain significance for Bardet-Biedl syndrome. Last evaluated: 2022-06-04. Review status: criteria provided, single submitter. Criteria: Invitae Variant Classification Sherloc (09022015). Collection method: clinical testing. Allele origin: germline.
Comment: This sequence change replaces methionine, which is neutral and non-polar, with isoleucine, which is neutral and non-polar, at codon 837 of the BBS9 protein (p.Met837Ile). This variant is not present in population databases (gnomAD no frequency). This variant has not been reported in the literature in individuals affected with BBS9-related conditions. Algorithms developed to predict the effect of missense changes on protein structure and function output the following: SIFT: "Deleterious"; PolyPhen-2: "Benign"; Align-GVGD: "Class C0". The isoleucine amino acid residue is found in multiple mammalian species, which suggests that this missense change does not adversely affect protein function. In summary, the available evidence is currently insufficient to determine the role of this variant in disease. Therefore, it has been classified as a Variant of Uncertain Significance.

NM_198428.3(BBS9):c.2511G>T (p.Met837Ile)

Gene: BBS9 (Bardet-Biedl syndrome 9; plus strand). Cytogenetic location: 7p14.3.
Variant type: single nucleotide variant.
Coding change: c.2511G>T on transcript NM_198428.3 (MANE Select); coding-DNA position 2511, G replaced by T.
Protein change: p.Met837Ile; replaces methionine 837 with isoleucine.
Molecular consequence: missense variant. On other transcripts: non-coding transcript variant (3).
Genome position (GRCh38, 1-based): chr7:33,534,166, G>T. VCF-style: chr7-33534166-G-T. GRCh37 (hg19) VCF-style: chr7-33573778-G-T.
Other names: c.2406G>T, p.Met802Ile (NM_001033604.2); c.2496G>T, p.Met832Ile (NM_001033605.2); c.2511G>T, p.Met837Ile (NM_001348036.1, NM_001348041.4, NM_001348043.3 and 3 more transcripts); c.1962G>T, p.Met654Ile (NM_001348037.3); c.2238G>T, p.Met746Ile (NM_001348038.3); c.2133G>T, p.Met711Ile (NM_001348039.3); c.2391G>T, p.Met797Ile (NM_001348040.3, NM_014451.4); c.2376G>T, p.Met792Ile (NM_001348042.3); and 2 more; short protein forms M797I, M802I, M837I, M711I, M832I, M654I, M680I, M792I.
Identifiers: ClinVar variation 2047739 (VCV002047739.4), dbSNP rs2537672970, ClinGen allele CA367257137.
Genomic context (GRCh38, chr7:33,534,166, plus strand): 5'-TAGATTATCCAAAGGTGGCCGTCTCTGCCTAAGTACCGATGCAGCAGCCCCACAGACCAT[G>T]GTCATGCCAGGTAAGAGCTCTGTCCATGCTCCCTAATCACAATTGTACTTCTCCTAAATT-3'
Protein context (NP_940820.1, residues 827-847): LSTDAAAPQT[Met837Ile]VMPGGCTTIP